The following is an entry in ClinVar:

NM_006031.6(PCNT):c.6038dup (p.Cys2014fs)

Gene: PCNT (pericentrin; plus strand). Cytogenetic location: 21q22.3.
Variant type: Duplication.
Coding change: c.6038dup on transcript NM_006031.6 (MANE Select); coding-DNA position 6038, one base duplicated (T; older notation c.6038dupT).
Protein change: p.Cys2014fs; shifts the reading frame from cysteine 2014.
Molecular consequence: frameshift variant.
Genome position (GRCh38, 1-based): chr21:46,412,880, T duplicated. VCF-style (leftmost placement, unchanged base first): chr21-46412879-C-CT. GRCh37 (hg19) VCF-style: chr21-47832793-C-CT.
Other names: c.5684dup, p.Cys1896fs (NM_001315529.2); c.6038dupT (NM_006031.5); short protein forms C2014fs, C1896fs.
Identifiers: ClinVar variation 2847037 (VCV002847037.4), dbSNP rs752986448, ClinGen allele CA10080181.

ClinVar aggregate classification (germline): Pathogenic/Likely pathogenic. Review status: criteria provided, multiple submitters, no conflicts (2 of 4 stars). 2 submissions from 2 submitters: Pathogenic (1); Likely pathogenic (1). Last evaluated 2025-11-26.

Conditions:
PCNT-related disorder. Also called: PCNT-related condition.

Allele frequency attached by ClinVar (database versions not stated): ExAC 0.00001; gnomAD 0.00001; TOPMed 0.00002.

Submissions (2):

PreventionGenetics, part of Exact Sciences
Classification: Likely pathogenic for PCNT-related condition. Last evaluated: 2025-11-26. Review status: criteria provided, single submitter. Criteria: ACMG Guidelines, 2015. Collection method: clinical testing. Allele origin: germline.
Comment: The PCNT c.6038dupT variant is predicted to result in a frameshift and premature protein termination (p.Cys2014Leufs*27). To our knowledge, this variant has not been reported in the literature. This variant is reported in 0.012% of alleles in individuals of African descent in gnomAD. Frameshift variants in PCNT are expected to be pathogenic. This variant is interpreted as likely pathogenic.

Labcorp Genetics (formerly Invitae), Labcorp
Classification: Pathogenic. Last evaluated: 2023-03-29. Review status: criteria provided, single submitter. Criteria: Invitae Variant Classification Sherloc (09022015). Collection method: clinical testing. Allele origin: germline.
Comment: This variant has not been reported in the literature in individuals affected with PCNT-related conditions. This sequence change creates a premature translational stop signal (p.Cys2014Leufs*27) in the PCNT gene. It is expected to result in an absent or disrupted protein product. Loss-of-function variants in PCNT are known to be pathogenic (PMID: 18174396, 22821869). This variant is present in population databases (rs752986448, gnomAD 0.01%). For these reasons, this variant has been classified as Pathogenic.

Literature cited by the submitters: PubMed 18174396 (cited by Labcorp Genetics (formerly Invitae), Labcorp); PubMed 22821869 (cited by Labcorp Genetics (formerly Invitae), Labcorp).